The following is an entry in ClinVar:

ClinVar aggregate classification (germline): Likely benign (1 of 4 stars; one submission).

Conditions:
Colorectal cancer, susceptibility to, 1. Also called: COLORECTAL ADENOMA AND CANCER, SUSCEPTIBILITY TO; COLORECTAL CANCER, SUSCEPTIBILITY TO, ON CHROMOSOME 9. Identifiers: MedGen C1837315, MONDO:0012132, OMIM 608812.

gnomAD v4.1: 1 of 1,613,942 alleles (0.000062%); highest among the groups gnomAD compares: South Asian, 0.0011%; no homozygotes.

Submission:

Myriad Genetics, Inc.
Classification: Likely benign for Colorectal cancer, susceptibility to, 1. Last evaluated: 2026-04-21. Review status: criteria provided, single submitter. Criteria: Myriad Autosomal Dominant, Autosomal Recessive and X-Linked Classification Criteria (2023). Collection method: clinical testing. Allele origin: unknown.
Comment: This variant is considered likely benign. This variant is intronic and is not expected to impact mRNA splicing.

NM_024642.5(GALNT12):c.372-8A>G

Gene: GALNT12 (polypeptide N-acetylgalactosaminyltransferase 12; plus strand). Cytogenetic location: 9q22.33.
Variant type: single nucleotide variant.
Coding change: c.372-8A>G on transcript NM_024642.5 (MANE Select); 8 bases into the intron before coding-DNA position 372, A replaced by G.
Molecular consequence: intron variant.
Genome position (GRCh38, 1-based): chr9:98,823,248, A>G. VCF-style: chr9-98823248-A-G. GRCh37 (hg19) VCF-style: chr9-101585530-A-G.
Identifiers: ClinVar variation 4875707 (VCV004875707.1).
Genomic context (GRCh38, chr9:98,823,248, plus strand): 5'-TTGTCACTCCATCCCCAGTGCCAGCCTGGGCTAGATCCTGAGTTCCTGAAGTTCCGCTGT[A>G]TTTGCAGGTGCAAAGAGAAGAAATATGATTATGATAATTTGCCCAGGACATCTGTTATCA-3'